The following is an entry in ClinVar:

NM_001379659.1(ZNF142):c.1501A>G (p.Lys501Glu)

Gene: ZNF142 (zinc finger protein 142; minus strand). Cytogenetic location: 2q35.
Variant type: single nucleotide variant.
Coding change: c.1501A>G on transcript NM_001379659.1 (MANE Select); coding-DNA position 1501, A replaced by G.
Protein change: p.Lys501Glu; replaces lysine 501 with glutamic acid.
Molecular consequence: missense variant.
Genome position (GRCh38, 1-based): chr2:218,649,007, T>C on the plus strand (A>G on the coding strand, the complement: ZNF142 is on the minus strand). VCF-style: chr2-218649007-T-C. GRCh37 (hg19) VCF-style: chr2-219513730-T-C.
Other names: c.901A>G, p.Lys301Glu (NM_001366291.3, NM_001379662.1, NM_001105537.5); c.1501A>G, p.Lys501Glu (NM_001379660.1, NM_001379661.1, NM_001366290.3); c.412A>G, p.Lys138Glu (NM_001366287.3, NM_001366288.3, NM_001366289.3); short protein forms K138E, K501E, K301E.
Identifiers: ClinVar variation 2491088 (VCV002491088.3), dbSNP rs762028959, ClinGen allele CA2109362.

ClinVar aggregate classification (germline): Uncertain significance. Review status: criteria provided, multiple submitters, no conflicts (2 of 4 stars). 2 submissions from 2 submitters: Uncertain significance (2). Last evaluated 2024-09-15.

Conditions:
Inborn genetic diseases. Identifiers: MedGen C0950123, MeSH D030342.

Allele frequency attached by ClinVar (database versions not stated): ExAC 0.00007; gnomAD 0.00002; TOPMed 0.00003; gnomAD exomes 0.00001.
gnomAD v4.1: 19 of 1,612,182 alleles (0.0012%); highest among the groups gnomAD compares: East Asian, 0.036%; no homozygotes.

Submissions (2):

GeneDx
Classification: Uncertain significance. Last evaluated: 2024-09-15. Review status: criteria provided, single submitter. Criteria: GeneDx Variant Classification Process June 2021. Collection method: clinical testing. Allele origin: germline. Affected: yes.
Comment: In silico analysis indicates that this missense variant does not alter protein structure/function; Has not been previously published as pathogenic or benign to our knowledge

Ambry Genetics
Classification: Uncertain significance for Inborn genetic diseases. Last evaluated: 2023-02-28. Review status: criteria provided, single submitter. Criteria: Ambry Variant Classification Scheme 2023. Collection method: clinical testing. Allele origin: germline.